The following is an entry in ClinVar:

ClinVar aggregate classification (germline): Uncertain significance (1 of 4 stars; one submission).

Submission:

Labcorp Genetics (formerly Invitae), Labcorp
Classification: Uncertain significance. Last evaluated: 2023-12-11. Review status: criteria provided, single submitter. Criteria: Invitae Variant Classification Sherloc (09022015). Collection method: clinical testing. Allele origin: germline.
Comment: This sequence change replaces leucine, which is neutral and non-polar, with proline, which is neutral and non-polar, at codon 1217 of the ZNF335 protein (p.Leu1217Pro). This variant is not present in population databases (gnomAD no frequency). This variant has not been reported in the literature in individuals affected with ZNF335-related conditions. ClinVar contains an entry for this variant (Variation ID: 1498134). An algorithm developed to predict the effect of missense changes on protein structure and function (PolyPhen-2) suggests that this variant is likely to be disruptive. In summary, the available evidence is currently insufficient to determine the role of this variant in disease. Therefore, it has been classified as a Variant of Uncertain Significance.

NM_022095.4(ZNF335):c.3650T>C (p.Leu1217Pro)

Gene: ZNF335 (zinc finger protein 335; minus strand). Cytogenetic location: 20q13.12.
Variant type: single nucleotide variant.
Coding change: c.3650T>C on transcript NM_022095.4 (MANE Select); coding-DNA position 3650, T replaced by C.
Protein change: p.Leu1217Pro; replaces leucine 1217 with proline.
Molecular consequence: missense variant.
Genome position (GRCh38, 1-based): chr20:45,949,819, A>G on the plus strand (T>C on the coding strand, the complement: ZNF335 is on the minus strand). VCF-style: chr20-45949819-A-G. GRCh37 (hg19) VCF-style: chr20-44578458-A-G.
Other names: short protein forms L1217P.
Identifiers: ClinVar variation 1498134 (VCV001498134.8), dbSNP rs2145352896, ClinGen allele CA409234324.